The following is an entry in ClinVar:

ClinVar aggregate classification (germline): Uncertain significance (1 of 4 stars; one submission).

Conditions:
Isolated microphthalmia 5. Also called: Posterior Microphthalmia with Retinitis Pigmentosa, Foveoschisis, and Optic Disc Drusen. Identifiers: Orphanet 251279, MedGen C1970236, MONDO:0012605, OMIM 611040.

Submission:

Labcorp Genetics (formerly Invitae), Labcorp
Classification: Uncertain significance for Isolated microphthalmia 5. Last evaluated: 2022-08-22. Review status: criteria provided, single submitter. Criteria: Invitae Variant Classification Sherloc (09022015). Collection method: clinical testing. Allele origin: germline.
Comment: This sequence change disrupts the translational stop signal of the MFRP mRNA. It is expected to extend the length of the MFRP protein by 2 additional amino acid residues. In summary, the available evidence is currently insufficient to determine the role of this variant in disease. Therefore, it has been classified as a Variant of Uncertain Significance. This variant has not been reported in the literature in individuals affected with MFRP-related conditions. This variant is not present in population databases (gnomAD no frequency).

NM_031433.4(MFRP):c.1738T>C (p.Ter580Arg)

Genes: C1QTNF5 (C1q and TNF related 5; minus strand), MFRP (membrane frizzled-related protein; minus strand). Cytogenetic location: 11q23.3.
Variant type: single nucleotide variant.
Coding change: c.1738T>C on transcript NM_031433.4 (MANE Select); coding-DNA position 1738, T replaced by C.
Protein change: p.Ter580Arg.
Molecular consequence: stop lost. On other transcripts: 5 prime UTR variant (1).
Genome position (GRCh38, 1-based): chr11:119,341,550, A>G on the plus strand (T>C on the coding strand, the complement: MFRP is on the minus strand). VCF-style: chr11-119341550-A-G. GRCh37 (hg19) VCF-style: chr11-119212260-A-G.
Other names: c.-899T>C (NM_015645.5).
Identifiers: ClinVar variation 2120977 (VCV002120977.4), dbSNP rs1591301587, ClinGen allele CA382971260.